The following continues an entry in ClinVar:

NM_000051.4(ATM):c.5497-2A>C

Gene: ATM. ClinVar aggregate classification (germline): Pathogenic/Likely pathogenic. Pathogenic (13); Likely pathogenic (1).

Submissions 10 to 17 of 17:

Ambry Genetics
Classification: Pathogenic for Hereditary cancer-predisposing syndrome. Last evaluated: 2023-06-29. Review status: criteria provided, single submitter. Criteria: Ambry Variant Classification Scheme 2023. Collection method: clinical testing. Allele origin: germline.
Comment: The c.5497-2A>C intronic pathogenic mutation results from an A to C substitution two nucleotides upstream from coding exon 36 in the ATM gene. This mutation (designated as IVS38-2A>C) was reported in an individual diagnosed with ataxia-telangiectasia (Teraoka et al. Am. J. Hum. Genet. 1999 Jun;64(6):1617-31). This variant is considered to be rare based on population cohorts in the Genome Aggregation Database (gnomAD). This nucleotide position is highly conserved in available vertebrate species. In silico splice site analysis predicts that this alteration will weaken the native splice acceptor site. RNA studies have demonstrated that this alteration results in abnormal splicing in the set of samples tested (Teraoka et al. Am. J. Hum. Genet. 1999 Jun;64(6):1617-31; Casadei S et al. Proc. Natl. Acad. Sci. U.S.A., 2019 Dec; Ambry internal data). Based on the supporting evidence, this alteration is interpreted as a disease-causing mutation.

Institute of Human Genetics, University of Leipzig Medical Center
Classification: Pathogenic for Familial cancer of breast. Last evaluated: 2023-06-08. Review status: criteria provided, single submitter. Criteria: ACMG Guidelines, 2015. Collection method: clinical testing. Allele origin: unknown. Inheritance: Autosomal dominant inheritance. Affected: yes.
Comment: Criteria applied: PVS1,PS3_mod, PS4_mod, PM2_sup

St. Jude Molecular Pathology, St. Jude Children's Research Hospital
Classification: Likely pathogenic for Familial cancer of breast. Last evaluated: 2022-09-28. Review status: criteria provided, single submitter. Criteria: St. Jude Assertion Criteria 2020. Collection method: clinical testing. Allele origin: germline.
Comment: The ATM c.5497-2A>C intronic change results from a A to C substitution at the -2 position of intron 36 of the ATM gene. RNA studies have shown that this variant causes abnormal splicing which results in frameshift and premature protein truncation (PMID: 10330348, internal data). This variant is absent in gnomAD v2.1.1 and is not reported in a database of women older than 70 years of age who have never had cancer (FLOSSIES database). This variant has been observed in the heterozygous state in an individual with ataxia-telangiectasia, however a second variant was not identified (PMID: 10330348). In summary, this variant meets criteria to be classified as likely pathogenic.

MGZ Medical Genetics Center
Classification: Pathogenic for Ataxia-telangiectasia syndrome. Last evaluated: 2021-12-10. Review status: criteria provided, single submitter. Criteria: ACMG Guidelines, 2015. Collection method: clinical testing. Allele origin: germline. Affected: yes. Observed: 2 variant alleles.
Comment: ACMG criteria applied: PVS1, PS4, PM3, PM2_SUP

Institute of Medical Genetics and Applied Genomics, University Hospital Tübingen
Classification: Pathogenic. Last evaluated: 2020-10-23. Review status: criteria provided, single submitter. Criteria: ACMG Guidelines, 2015. Collection method: clinical testing. Allele origin: germline. Inheritance: Unknown mechanism. Affected: yes.

King Laboratory, University of Washington
Classification: Pathogenic for Familial cancer of breast. Last evaluated: 2019-09-01. Review status: no assertion criteria provided. Collection method: research. Allele origin: germline. Affected: yes. Not counted in ClinVar's aggregate classification.
Comment: Transcript analysis by cBROCA

Counsyl
Classification: Likely pathogenic for Ataxia-telangiectasia syndrome. Last evaluated: 2017-12-11. Review status: no assertion criteria provided. Collection method: clinical testing. Allele origin: unknown. Not counted in ClinVar's aggregate classification.

Dr. Peter K. Rogan Lab, Western University
No classification provided (evidence only). Condition: Hepatocellular carcinoma. Review status: no classification provided. Collection method: in vitro. Allele origin: not applicable. Functional consequence: retained intron. Not counted in ClinVar's aggregate classification.

Literature cited by the submitters: PubMed 21665257 (cited by 3 submitters); PubMed 10330348 (cited by 6 submitters); PubMed 31843900 (cited by 6 submitters); PubMed 14695534 (cited by 3 submitters); PubMed 40580951 (cited by Myriad Genetics, Inc.); PubMed 29906526 (cited by Myriad Genetics, Inc.); PubMed 30772474 (cited by Myriad Genetics, Inc.); PubMed 37438524 (cited by Myriad Genetics, Inc.); PubMed 32125938 (cited by Color Diagnostics, LLC DBA Color Health and Quest Diagnostics Nichols Institute San Juan Capistrano).